The following is an entry in ClinVar:

NM_002495.4(NDUFS4):c.217A>C (p.Lys73Gln)

Gene: NDUFS4 (NADH:ubiquinone oxidoreductase subunit S4; plus strand). Cytogenetic location: 5q11.2.
Variant type: single nucleotide variant.
Coding change: c.217A>C on transcript NM_002495.4 (MANE Select); coding-DNA position 217, A replaced by C.
Protein change: p.Lys73Gln; replaces lysine 73 with glutamine.
Molecular consequence: missense variant. On other transcripts: non-coding transcript variant (3).
Genome position (GRCh38, 1-based): chr5:53,646,272, A>C. VCF-style: chr5-53646272-A-C. GRCh37 (hg19) VCF-style: chr5-52942102-A-C.
Other names: c.217A>C, p.Lys73Gln (NM_001318051.2); short protein forms K73Q.
Identifiers: ClinVar variation 3403918 (VCV003403918.3).

ClinVar aggregate classification (germline): Uncertain significance. Review status: criteria provided, multiple submitters, no conflicts (2 of 4 stars). 3 submissions from 3 submitters: Uncertain significance (3). Last evaluated 2026-01-06.

Conditions:
Inborn genetic diseases. Identifiers: MedGen C0950123, MeSH D030342.

Submissions (3):

Labcorp Genetics (formerly Invitae), Labcorp
Classification: Uncertain significance. Last evaluated: 2026-01-06. Review status: criteria provided, single submitter. Criteria: Invitae Variant Classification Sherloc (09022015). Collection method: clinical testing. Allele origin: germline.
Comment: This sequence change replaces lysine, which is basic and polar, with glutamine, which is neutral and polar, at codon 73 of the NDUFS4 protein (p.Lys73Gln). This variant is present in population databases (rs766855689, gnomAD 0.004%). This variant has not been reported in the literature in individuals affected with NDUFS4-related conditions. ClinVar contains an entry for this variant (Variation ID: 3403918). An algorithm developed to predict the effect of missense changes on protein structure and function (PolyPhen-2) suggests that this variant is likely to be disruptive. In summary, the available evidence is currently insufficient to determine the role of this variant in disease. Therefore, it has been classified as a Variant of Uncertain Significance.

Ambry Genetics
Classification: Uncertain significance for Inborn genetic diseases. Last evaluated: 2024-07-09. Review status: criteria provided, single submitter. Criteria: Ambry Variant Classification Scheme 2023. Collection method: clinical testing. Allele origin: germline.

Blueprint Genetics
Classification: Uncertain significance. Last evaluated: 2022-09-29. Review status: criteria provided, single submitter. Criteria: ACMG Guidelines, 2015. Collection method: clinical testing. Allele origin: germline.